The following is an entry in ClinVar:

NM_000256.3(MYBPC3):c.2190del (p.Lys731fs)

Gene: MYBPC3 (myosin binding protein C3; minus strand). Cytogenetic location: 11p11.2.
Variant type: Deletion.
Coding change: c.2190del on transcript NM_000256.3 (MANE Select); coding-DNA position 2190, one base deleted (C; older notation c.2190delC).
Protein change: p.Lys731fs; shifts the reading frame from lysine 731.
Molecular consequence: frameshift variant.
Genome position (GRCh38, 1-based): chr11:47,338,638, G deleted on the plus strand (C on the coding strand, the reverse complement: MYBPC3 is on the minus strand); the first of 2 consecutive G bases (chr11:47,338,638-47,338,639); deleting either gives the same sequence. VCF-style (leftmost placement, unchanged base first): chr11-47338637-TG-T. GRCh37 (hg19) VCF-style: chr11-47360188-TG-T.
Other names: c.2190delC (NM_000256.3); c.2190del, p.Lys731fs (LRG_386t1); short protein forms K731fs.
Identifiers: ClinVar variation 523714 (VCV000523714.4), dbSNP rs1555121467, ClinGen allele CA658797628.
Genomic context (GRCh38, chr11:47,338,637, plus strand): 5'-CCGTGTAGACGCCCTCATCTTCCTTCTCTGCCCCCTCGACCGTGAAGATGCTGCGGTCCT[TG>T]GTGGTCTCCACGCGGACCCGGCCCTCGGTCTCACACAGCAGCTGGGGGGGTGCAGAGTTG-3'

ClinVar aggregate classification (germline): Pathogenic. Review status: criteria provided, multiple submitters, no conflicts (2 of 4 stars). 2 submissions from 2 submitters: Pathogenic (2). Last evaluated 2026-01-09.

Conditions:
Cardiovascular phenotype. Identifiers: MedGen CN230736.

Submissions (2):

Dasa
Classification: Pathogenic. Last evaluated: 2026-01-09. Review status: criteria provided, single submitter. Criteria: DASA Assertion Criteria. Collection method: clinical testing. Allele origin: germline.
Comment: NM_000256.3(MYBPC3):c.2190del (p.Lys731Argfs*23) introduces a premature termination codon predicted to result in loss of normal protein function. Loss-of-function is an established mechanism of disease for this gene. This variant has been reported in individuals with related phenotype (PMID: 28771489). The variant is present at low frequency in population datasets. Based on the available data, this variant is classified as pathogenic.

Molecular Diagnostic Laboratory for Inherited Cardiovascular Disease, Montreal Heart Institute
Classification: Pathogenic for Cardiovascular phenotype. Last evaluated: 2025-01-14. Review status: criteria provided, single submitter. Criteria: ACMG Guidelines, 2015. Collection method: clinical testing. Allele origin: germline. Affected: yes.
Comment: PVS1, PM2, PS4_supp

Literature cited by the submitters: PubMed 28771489 (cited by Dasa).